The following is an entry in ClinVar:

NM_152309.3(PIK3AP1):c.719C>T (p.Ser240Leu)

Gene: PIK3AP1 (phosphoinositide-3-kinase adaptor protein 1; minus strand). Cytogenetic location: 10q24.1.
Variant type: single nucleotide variant.
Coding change: c.719C>T on transcript NM_152309.3 (MANE Select); coding-DNA position 719, C replaced by T.
Protein change: p.Ser240Leu; replaces serine 240 with leucine.
Molecular consequence: missense variant.
Genome position (GRCh38, 1-based): chr10:96,651,645, G>A on the plus strand (C>T on the coding strand, the complement: PIK3AP1 is on the minus strand). VCF-style: chr10-96651645-G-A. GRCh37 (hg19) VCF-style: chr10-98411402-G-A.
Other names: short protein forms S240L.
Identifiers: ClinVar variation 4771392 (VCV004771392.1).
Genomic context (GRCh38, chr10:96,651,645, plus strand): 5'-ATAACGGTTTCACACACCACTAAGTCTCCAGAATATATCTTCAGAGAAACGTTCCCAGAT[G>A]AAAGGTCTGAACAGAAGAAAAGACACTATCAAAATTCCCAGGAAAAACAAGCATCCAGGG-3'
Protein context (NP_689522.2, residues 230-250): YTISVKAPNL[Ser240Leu]SGNVSLKIYS

ClinVar aggregate classification (germline): Uncertain significance (1 of 4 stars; one submission).

Conditions:
Infantile spasms. Also called: Infantile spasm. Identifiers: MedGen C3887898, HP:0012469.

Submission:

Labcorp Genetics (formerly Invitae), Labcorp
Classification: Uncertain significance for Infantile spasms. Last evaluated: 2025-08-04. Review status: criteria provided, single submitter. Criteria: Invitae Variant Classification Sherloc (09022015). Collection method: clinical testing. Allele origin: germline.
Comment: This sequence change replaces serine, which is neutral and polar, with leucine, which is neutral and non-polar, at codon 240 of the PIK3AP1 protein (p.Ser240Leu). This variant is not present in population databases (gnomAD no frequency). This variant has not been reported in the literature in individuals affected with PIK3AP1-related conditions. An algorithm developed to predict the effect of missense changes on protein structure and function (PolyPhen-2) suggests that this variant is likely to be tolerated. In summary, the available evidence is currently insufficient to determine the role of this variant in disease. Therefore, it has been classified as a Variant of Uncertain Significance.